The following is an entry in ClinVar:

NM_001165963.4(SCN1A):c.4002+2472_4002+2473del

Genes: SCN1A (sodium voltage-gated channel alpha subunit 1; minus strand), LOC102724058 (uncharacterized LOC102724058; plus strand). Cytogenetic location: 2q24.3.
Variant type: Deletion.
Coding change: c.4002+2472_4002+2473del on transcript NM_001165963.4 (MANE Select); bases 2472 to 2473 of the intron after coding-DNA position 4002, 2 bases deleted (CT; older notation c.4002+2472_4002+2473delCT).
Molecular consequence: intron variant. On other transcripts: non-coding transcript variant (1).
Genome position (GRCh38, 1-based): chr2:166,007,246-166,007,247, AG deleted on the plus strand (CT on the coding strand, the reverse complement: SCN1A is on the minus strand). VCF-style (leftmost placement, unchanged base first): chr2-166007245-CAG-C. GRCh37 (hg19) VCF-style: chr2-166863755-CAG-C.
Other names: c.3969+2472_3969+2473del (NM_001353949.2, NM_001353950.2, NM_001353951.2 and 2 more transcripts); c.3918+2472_3918+2473del (NM_001353958.2, NM_001353957.2, NM_001165964.3); c.4002+2472_4002+2473del (NM_001202435.3, NM_001353948.2); c.3966+2472_3966+2473del (NM_001353955.2, NM_001353954.2); c.3915+2472_3915+2473del (NM_001353960.2); c.1560+2472_1560+2473del (NM_001353961.2).
Identifiers: ClinVar variation 3632187 (VCV003632187.2).

ClinVar aggregate classification (germline): Uncertain significance (1 of 4 stars; one submission).

Conditions:
Early-infantile DEE. Also called: Early infantile epileptic encephalopathy with suppression bursts; Early infantile epileptic encephalopathy; Ohtahara syndrome. Identifiers: Orphanet 1934, MedGen C0393706, MONDO:0800491.

Submission:

Labcorp Genetics (formerly Invitae), Labcorp
Classification: Uncertain significance for Early-infantile DEE. Last evaluated: 2025-10-24. Review status: criteria provided, single submitter. Criteria: Invitae Variant Classification Sherloc (09022015). Collection method: clinical testing. Allele origin: germline.
Comment: This sequence change falls in intron 20 of the SCN1A gene. It does not directly change the encoded amino acid sequence of the SCN1A protein. However, this sequence change falls within a region encompassing a cryptic exon in the SCN1A gene, in which variants have been shown to alter splicing (PMID: 30526861, 34107977). This variant is not present in population databases (gnomAD no frequency). This variant has not been reported in the literature in individuals affected with SCN1A-related conditions. Algorithms developed to predict the effect of sequence changes on RNA splicing suggest that this variant is not likely to affect RNA splicing. In summary, the available evidence is currently insufficient to determine the role of this variant in disease. Therefore, it has been classified as a Variant of Uncertain Significance.

Literature cited by the submitters: PubMed 30526861; PubMed 34107977.